The following is an entry in ClinVar:

ClinVar aggregate classification (germline): Benign (1 of 4 stars; one submission).

Allele frequency attached by ClinVar (database versions not stated): gnomAD exomes 0.37147; 1000 Genomes Project 0.43790; 1000 Genomes Project 30x 0.44753; gnomAD 0.47146 and 0.48249; TOPMed 0.48063.
gnomAD v4.1: 598,087 of 1,567,538 alleles (38%); highest among the groups gnomAD compares: African/African-American, 76%; 121,325 homozygotes.

Submission:

GeneDx
Classification: Benign. Last evaluated: 2018-06-14. Review status: criteria provided, single submitter. Criteria: GeneDx Variant Classification (06012015). Collection method: clinical testing. Allele origin: germline. Affected: yes.
Comment: This variant is considered likely benign or benign based on one or more of the following criteria: it is a conservative change, it occurs at a poorly conserved position in the protein, it is predicted to be benign by multiple in silico algorithms, and/or has population frequency not consistent with disease.

NM_022464.5(SIL1):c.767+85G>T

Gene: SIL1 (SIL1 nucleotide exchange factor; minus strand). Cytogenetic location: 5q31.2.
Variant type: single nucleotide variant.
Coding change: c.767+85G>T on transcript NM_022464.5 (MANE Select); 85 bases into the intron after coding-DNA position 767, G replaced by T.
Molecular consequence: intron variant.
Genome position (GRCh38, 1-based): chr5:139,021,086, C>A on the plus strand (G>T on the coding strand, the complement: SIL1 is on the minus strand). VCF-style: chr5-139021086-C-A. GRCh37 (hg19) VCF-style: chr5-138356775-C-A.
Other names: c.767+85G>T (NM_001037633.2).
Identifiers: ClinVar variation 670082 (VCV000670082.1), dbSNP rs10077796, ClinGen allele CA12064953.